The following is an entry in ClinVar:

NM_006420.3(ARFGEF2):c.4510-82A>G

Gene: ARFGEF2 (ARF guanine nucleotide exchange factor 2; plus strand). Cytogenetic location: 20q13.13.
Variant type: single nucleotide variant.
Coding change: c.4510-82A>G on transcript NM_006420.3 (MANE Select); 82 bases into the intron before coding-DNA position 4510, A replaced by G.
Molecular consequence: intron variant.
Genome position (GRCh38, 1-based): chr20:49,018,802, A>G. VCF-style: chr20-49018802-A-G. GRCh37 (hg19) VCF-style: chr20-47635339-A-G.
Identifiers: ClinVar variation 670370 (VCV000670370.2), dbSNP rs9631141, ClinGen allele CA14854066.

ClinVar aggregate classification (germline): Benign. Review status: criteria provided, multiple submitters, no conflicts (2 of 4 stars). 2 submissions from 2 submitters: Benign (2). Last evaluated 2018-06-14.

Allele frequency attached by ClinVar (database versions not stated): gnomAD exomes 0.06686; gnomAD 0.09977 and 0.10084; TOPMed 0.10364; 1000 Genomes Project 0.11502; 1000 Genomes Project 30x 0.11571.
gnomAD v4.1: 77,853 of 1,086,906 alleles (7.2%); highest among the groups gnomAD compares: African/African-American, 19%; 3,591 homozygotes.

Submissions (2):

GeneDx
Classification: Benign. Last evaluated: 2018-06-14. Review status: criteria provided, single submitter. Criteria: GeneDx Variant Classification (06012015). Collection method: clinical testing. Allele origin: germline. Affected: yes.
Comment: This variant is considered likely benign or benign based on one or more of the following criteria: it is a conservative change, it occurs at a poorly conserved position in the protein, it is predicted to be benign by multiple in silico algorithms, and/or has population frequency not consistent with disease.

Breakthrough Genomics
Classification: Benign. Review status: criteria provided, single submitter. Criteria: ACMG Guidelines, 2015. Collection method: not provided. Allele origin: germline. Inheritance: Autosomal recessive inheritance. Affected: yes.